The following is an entry in ClinVar:

NM_002241.5(KCNJ10):c.334G>T (p.Val112Leu)

Gene: KCNJ10 (potassium inwardly rectifying channel subfamily J member 10; minus strand). Cytogenetic location: 1q23.2.
Variant type: single nucleotide variant.
Coding change: c.334G>T on transcript NM_002241.5 (MANE Select); coding-DNA position 334, G replaced by T.
Protein change: p.Val112Leu; replaces valine 112 with leucine.
Molecular consequence: missense variant.
Genome position (GRCh38, 1-based): chr1:160,042,199, C>A on the plus strand (G>T on the coding strand, the complement: KCNJ10 is on the minus strand). VCF-style: chr1-160042199-C-A. GRCh37 (hg19) VCF-style: chr1-160011989-C-A.
Other names: short protein forms V112L.
Identifiers: ClinVar variation 1000192 (VCV001000192.9), dbSNP rs1029810218, ClinGen allele CA343228390.

ClinVar aggregate classification (germline): Uncertain significance (1 of 4 stars; one submission).

Conditions:
EAST syndrome (SESAMES). Also called: SEIZURES, SENSORINEURAL DEAFNESS, ATAXIA, IMPAIRED INTELLECTUAL DEVELOPMENT, AND ELECTROLYTE IMBALANCE. Identifiers: Orphanet 199343, MedGen C2748572, MONDO:0013005, OMIM 612780.

Allele frequency attached by ClinVar (database versions not stated): gnomAD exomes below 0.00001.
gnomAD v4.1: 2 of 1,612,168 alleles (0.00012%); highest among the groups gnomAD compares: South Asian, 0.0011%; no homozygotes.

Submission:

Labcorp Genetics (formerly Invitae), Labcorp
Classification: Uncertain significance for EAST syndrome. Last evaluated: 2024-02-23. Review status: criteria provided, single submitter. Criteria: Invitae Variant Classification Sherloc (09022015). Collection method: clinical testing. Allele origin: germline.
Comment: This sequence change replaces valine, which is neutral and non-polar, with leucine, which is neutral and non-polar, at codon 112 of the KCNJ10 protein (p.Val112Leu). This variant is not present in population databases (gnomAD no frequency). This variant has not been reported in the literature in individuals affected with KCNJ10-related conditions. ClinVar contains an entry for this variant (Variation ID: 1000192). Advanced modeling of protein sequence and biophysical properties (such as structural, functional, and spatial information, amino acid conservation, physicochemical variation, residue mobility, and thermodynamic stability) performed at Invitae indicates that this missense variant is not expected to disrupt KCNJ10 protein function with a negative predictive value of 80%. In summary, the available evidence is currently insufficient to determine the role of this variant in disease. Therefore, it has been classified as a Variant of Uncertain Significance.